The following is an entry in ClinVar:

NM_000823.4(GHRHR):c.1208G>T (p.Arg403Met)

Gene: GHRHR (growth hormone releasing hormone receptor; plus strand). Cytogenetic location: 7p14.3.
Variant type: single nucleotide variant.
Coding change: c.1208G>T on transcript NM_000823.4 (MANE Select); coding-DNA position 1208, G replaced by T.
Protein change: p.Arg403Met; replaces arginine 403 with methionine.
Molecular consequence: missense variant.
Genome position (GRCh38, 1-based): chr7:30,979,180, G>T. VCF-style: chr7-30979180-G-T. GRCh37 (hg19) VCF-style: chr7-31018795-G-T.
Other names: c.1208G>T (NM_000823.3); short protein forms R403M.
Identifiers: ClinVar variation 2428280 (VCV002428280.3), dbSNP rs767279880, ClinGen allele CA4208843.

ClinVar aggregate classification (germline): Uncertain significance. Review status: criteria provided, multiple submitters, no conflicts (2 of 4 stars). 2 submissions from 2 submitters: Uncertain significance (2). Last evaluated 2025-04-10.

Conditions:
Inborn genetic diseases. Identifiers: MedGen C0950123, MeSH D030342.

Allele frequency attached by ClinVar (database versions not stated): gnomAD 0.00001; TOPMed 0.00004.
gnomAD v4.1: 10 of 1,613,552 alleles (0.00062%); highest among the groups gnomAD compares: Admixed American, 0.01%; no homozygotes.

Submissions (2):

Ambry Genetics
Classification: Uncertain significance for Inborn genetic diseases. Last evaluated: 2025-04-10. Review status: criteria provided, single submitter. Criteria: Ambry Variant Classification Scheme 2023. Collection method: clinical testing. Allele origin: germline.

Labcorp Genetics (formerly Invitae), Labcorp
Classification: Uncertain significance. Last evaluated: 2022-08-22. Review status: criteria provided, single submitter. Criteria: Invitae Variant Classification Sherloc (09022015). Collection method: clinical testing. Allele origin: germline.
Comment: This sequence change replaces arginine, which is basic and polar, with methionine, which is neutral and non-polar, at codon 403 of the GHRHR protein (p.Arg403Met). This variant is present in population databases (rs767279880, gnomAD 0.01%). This variant has not been reported in the literature in individuals affected with GHRHR-related conditions. Algorithms developed to predict the effect of missense changes on protein structure and function are either unavailable or do not agree on the potential impact of this missense change (SIFT: "Tolerated"; PolyPhen-2: "Possibly Damaging"; Align-GVGD: "Class C0"). In summary, the available evidence is currently insufficient to determine the role of this variant in disease. Therefore, it has been classified as a Variant of Uncertain Significance.